The following is an entry in ClinVar:

ClinVar aggregate classification (germline): Likely pathogenic. Review status: reviewed by expert panel (3 of 4 stars). 3 submissions from 3 submitters: Likely pathogenic (1). 2 of the submissions do not count toward it. Last evaluated 2024-09-17.

Conditions:
Glycogen storage disease, type II (IOPD). Also called: CARDIOMEGALIA GLYCOGENICA DIFFUSA; GLYCOGENOSIS, GENERALIZED, CARDIAC FORM; GSD II; Glycogen storage disease type 2; Acid maltase deficiency disease; Aglucosidase alfa. Identifiers: Orphanet 365, MedGen C0017921, MONDO:0009290, OMIM 232300.

Submissions (3):

ClinGen Lysosomal Storage Disorder Variant Curation Expert Panel
Classification: Likely pathogenic for Glycogen storage disease, type II. Last evaluated: 2024-09-17. Review status: reviewed by expert panel. Criteria: clingen_lsd_acmg_specifications_v2-1. Collection method: curation. Allele origin: germline. Inheritance: Autosomal recessive inheritance.
Comment: The NM_000152.5:c.1437G>C (p.Lys479Asn) variant in GAA alters the last nucleotide of exon 9. The computational predictor SpliceAI predicts that this variant may impact splicing (score for loss of the intron 10 donor splice site = 0.37; possible donor gain 175 bp downstream) (PP3). The computational predictor REVEL gives a score of 0.608 which is neither above nor below the thresholds predicting a damaging (>0.7) or benign (<0.5) impact on GAA function. Three probands have been reported with the variant, all with infantile onset Pompe disease and documented values showing GAA activity in the affected range. One of the patients was on enzyme replacement therapy (PMID: 18458862, 31510962, 32711049) (PP4_Moderate). Two probands are compound heterozygous for the variant and another variant in GAA that has been classified as pathogenic by the ClinGen LD VCEP, c.1935C>A (p.Asp645Glu) (ClinVar Variation ID: 4029; SCV002032138.1) (PMID: 18458862, 32711049, 2 x 0.5 points) (PM3). Another proband is compound heterozygous for the variant, confirmed in trans with c.1327-2A>G (PMID: 31510962). The allelic data from this patient will be used in the assessment of the splicing variant and is not included here to avoid circular logic. The variant is absent in gnomAD v2.1.1. and v4.1.0. (PM2_Supporting). Other variants of the same splice region have been reported in patients with Pompe disease including c.1437+1G>A (likely pathogenic based on classification by the ClinGen LD VCEP); and c.1437+2T>C (pathogenic based on classification by the ClinGen LD VCEP). However, the SpliceAI score for donor loss is lower than for these other variants, and therefore PS1 was not applied at any strength (see Table 2, PMID: 37352859). There is a ClinVar entry for the variant (Variation ID: 3241647). In summary, this variant meets the criteria to be classified as likely pathogenic for Pompe disease. GAA-specific ACMG/AMP criteria applied, as specified by the ClinGen Lysosomal Diseases Variant Curation Expert Panel (Specifications version 2.0): PM3, PP4_Moderate, PP3, PM2_Supporting. (Classification approved by the ClinGen Lysosomal Diseases Variant Curation Expert Panel on September 17, 2024)

Genomenon, Inc
Classification: Likely pathogenic for Glycogen storage disease, type II. Last evaluated: 2026-07-01. Review status: criteria provided, single submitter. Criteria: Genomenon Sequence Variant Interpretation Standards - Updated. Collection method: curation. Allele origin: germline. Affected: yes. Not counted in ClinVar's aggregate classification.
Comment: GAA p.Lys479Asn (c.1437G>C) is a missense variant that changes the amino acid at codon 479 from Lysine to Asparagine. This variant has been observed in at least one proband with a GAA-related disorder in the compound heterozygous and/or homozygous state (PMID:32711049;31510962;18458862;36428004). It is absent or not present at a significant frequency in gnomAD. In silico models predict that this variant is possibly or probably damaging. In conclusion, we classify GAA p.Lys479Asn (c.1437G>C) as a likely pathogenic variant.

Baylor Genetics
Classification: Likely pathogenic for Glycogen storage disease, type II. Last evaluated: 2024-02-20. Review status: criteria provided, single submitter. Criteria: ACMG Guidelines, 2015. Collection method: clinical testing. Allele origin: unknown. Not counted in ClinVar's aggregate classification.

Literature cited by the submitters: PubMed 32711049 (cited by Genomenon, Inc); PubMed 31510962 (cited by Genomenon, Inc); PubMed 18458862 (cited by Genomenon, Inc); PubMed 36428004 (cited by Genomenon, Inc).

NM_000152.5(GAA):c.1437G>C (p.Lys479Asn)

Gene: GAA (alpha glucosidase; plus strand). Cytogenetic location: 17q25.3.
Variant type: single nucleotide variant.
Coding change: c.1437G>C on transcript NM_000152.5 (MANE Select); coding-DNA position 1437, G replaced by C.
Protein change: p.Lys479Asn; replaces lysine 479 with asparagine.
Molecular consequence: missense variant.
Genome position (GRCh38, 1-based): chr17:80,110,055, G>C. VCF-style: chr17-80110055-G-C. GRCh37 (hg19) VCF-style: chr17-78083854-G-C.
Other names: NM_000152.5(GAA):c.1437G>C; p.Lys479Asn; c.1437G>C, p.Lys479Asn (NM_001079803.3, NM_001079804.3, NM_001406741.1 and 1 more transcripts); short protein forms K479N.
Identifiers: ClinVar variation 3241647 (VCV003241647.3), dbSNP rs796051877.
Genomic context (GRCh38, chr17:80,110,055, plus strand): 5'-CGAGGGTCTGCGGAGGGGGGTTTTCATCACCAACGAGACCGGCCAGCCGCTGATTGGGAA[G>C]GTAGGGCGAGGGTCCAGGGGACGGGGGTTAGAAAGCAGAGGCCTCCAGCCAGGGGGAGCC-3'
Protein context (NP_000143.2, residues 469-489): TNETGQPLIG[Lys479Asn]VWPGSTAFPD